The following is an entry in ClinVar:

NM_000501.4(ELN):c.1096+12TG[23]

Gene: ELN (elastin; plus strand). Cytogenetic location: 7q11.23.
Variant type: Microsatellite.
Coding change: c.1096+12TG[23] on transcript NM_000501.4 (MANE Select); 23 copies in a row of the 2-base unit TG starting at c.1096+12.
Molecular consequence: intron variant.
Genome position: GRCh38 VCF-style: chr7-74053320-C-CTGTGTGTG. GRCh37 (hg19) VCF-style: chr7-73467650-C-CTGTGTGTG.
Other names: c.1111+12TG[23] (NM_001081754.3, NM_001081753.3); c.1096+12TG[23] (NM_001278939.2, NM_001278915.2, NM_001278912.2 and 1 more transcripts); c.1054+12TG[23] (NM_001278916.2); c.988+12TG[23] (NM_001278913.2); c.1081+12TG[23] (NM_001278914.2); c.1066+12TG[23] (NM_001278917.2, NM_001081752.3); c.964+12TG[23] (NM_001278918.2).
Identifiers: ClinVar variation 2413920 (VCV002413920.7), dbSNP rs10579871, ClinGen allele CA842073328.

ClinVar aggregate classification (germline): Conflicting classifications of pathogenicity. Review status: criteria provided, conflicting classifications (1 of 4 stars). 2 submissions from 2 submitters: Uncertain significance (1); Likely benign (1). Last evaluated 2024-11-27.

Conditions:
Supravalvar aortic stenosis (SVAS). Also called: Supravalvar aortic stenosis, Eisenberg type. Identifiers: Orphanet 3193, MedGen C0003499, MONDO:0008504, OMIM 185500, HP:0004381.

Submissions (2):

Blueprint Genetics
Classification: Likely benign. Last evaluated: 2024-11-27. Review status: criteria provided, single submitter. Criteria: ACMG Guidelines, 2015. Collection method: clinical testing. Allele origin: germline.

Labcorp Genetics (formerly Invitae), Labcorp
Classification: Uncertain significance for Supravalvar aortic stenosis. Last evaluated: 2021-07-24. Review status: criteria provided, single submitter. Criteria: Invitae Variant Classification Sherloc (09022015). Collection method: clinical testing. Allele origin: germline.
Comment: In summary, the available evidence is currently insufficient to determine the role of this variant in disease. Therefore, it has been classified as a Variant of Uncertain Significance. Experimental studies and prediction algorithms are not available or were not evaluated, and the effect of this variant on mRNA splicing is currently unknown. This variant has not been reported in the literature in individuals affected with ELN-related conditions. This variant is not present in population databases (ExAC no frequency). This sequence change falls in intron 18 of the ELN gene. It does not directly change the encoded amino acid sequence of the ELN protein.